The following is an entry in ClinVar:

NM_004519.4(KCNQ3):c.895G>A (p.Glu299Lys)

Gene: KCNQ3 (potassium voltage-gated channel subfamily Q member 3; minus strand). Cytogenetic location: 8q24.22.
Variant type: single nucleotide variant.
Coding change: c.895G>A on transcript NM_004519.4 (MANE Select); coding-DNA position 895, G replaced by A.
Protein change: p.Glu299Lys; replaces glutamic acid 299 with lysine.
Molecular consequence: missense variant.
Genome position (GRCh38, 1-based): chr8:132,175,491, C>T on the plus strand (G>A on the coding strand, the complement: KCNQ3 is on the minus strand). VCF-style: chr8-132175491-C-T. GRCh37 (hg19) VCF-style: chr8-133187738-C-T.
Other names: c.535G>A, p.Glu179Lys (NM_001204824.2); short protein forms E299K, E179K.
Identifiers: ClinVar variation 21413 (VCV000021413.4), dbSNP rs118192247, ClinGen allele CA342039.

ClinVar aggregate classification (germline): not provided (0 of 4 stars; one submission).

Conditions:
Seizures, benign familial neonatal, 2. Also called: Seizures, benign neonatal, 2; Benign Neonatal Epilepsy 2; KCNQ3-Related Self-Limited Familial Neonatal Epilepsy (SLFNE); CONVULSIONS, BENIGN FAMILIAL NEONATAL, 2; KCNQ3-Related Benign Familial Neonatal Epilepsy. Identifiers: Orphanet 1949, MedGen C1852581, MONDO:0007366, OMIM 121201.

Submission:

GeneReviews
No classification provided. Condition: Seizures, benign familial neonatal, 2. Review status: no classification provided. Collection method: literature only. Allele origin: germline.
Comment: Variant segregates with BFNE phenotype in 4/5 sibs of a 3-generation family; possibly contributes to the rolandic epilepsy in this family.

Literature cited by the submitters: NCBI Bookshelf NBK201978; PubMed 18625963; PubMed 19464834.